The following is an entry in ClinVar:

NM_004304.5(ALK):c.1528C>G (p.Arg510Gly)

Gene: ALK (ALK receptor tyrosine kinase; minus strand). Cytogenetic location: 2p23.2.
Variant type: single nucleotide variant.
Coding change: c.1528C>G on transcript NM_004304.5 (MANE Select); coding-DNA position 1528, C replaced by G.
Protein change: p.Arg510Gly; replaces arginine 510 with glycine.
Molecular consequence: missense variant.
Genome position (GRCh38, 1-based): chr2:29,320,769, G>C on the plus strand (C>G on the coding strand, the complement: ALK is on the minus strand). VCF-style: chr2-29320769-G-C. GRCh37 (hg19) VCF-style: chr2-29543635-G-C.
Other names: short protein forms R510G.
Identifiers: ClinVar variation 1353593 (VCV001353593.12), dbSNP rs201449759, ClinGen allele CA346472247.
Genomic context (GRCh38, chr2:29,320,769, plus strand): 5'-ATGAAGATGGGCACCAGAGAGAAGGCAGGAGAGCAGTAGTACCTTGGTGGTCCTGGAACC[G>C]GGCATCCTTTAGGGTCCTGACCTGCCATTGAGGAGTGTGGGGTGACAGTGTGCCTTGGGT-3'
Protein context (NP_004295.2, residues 500-520): QWQVRTLKDA[Arg510Gly]FQDHQDHALL

ClinVar aggregate classification (germline): Uncertain significance. Review status: criteria provided, multiple submitters, no conflicts (2 of 4 stars). 3 submissions from 3 submitters: Uncertain significance (3). Last evaluated 2024-08-25.

Conditions:
Hereditary cancer-predisposing syndrome. Also called: Hereditary Cancer Syndrome; Hereditary neoplastic syndrome; Tumor predisposition; Neoplastic Syndromes, Hereditary. Identifiers: Orphanet 140162, MedGen C0027672, MeSH D009386, MONDO:0015356.
Neuroblastoma, susceptibility to, 3. Also called: ALK-Related Neuroblastic Tumor Susceptibility. Identifiers: Orphanet 635, MedGen C2751681, MONDO:0013083, OMIM 613014.

gnomAD v4.1: 2 of 1,613,826 alleles (0.00012%); highest among the groups gnomAD compares: Non-Finnish European, 0.00017%; no homozygotes.

Submissions (3):

Ambry Genetics
Classification: Uncertain significance for Hereditary cancer-predisposing syndrome. Last evaluated: 2024-08-25. Review status: criteria provided, single submitter. Criteria: Ambry Variant Classification Scheme 2023. Collection method: clinical testing. Allele origin: germline.
Comment: The p.R510G variant (also known as c.1528C>G), located in coding exon 7 of the ALK gene, results from a C to G substitution at nucleotide position 1528. The arginine at codon 510 is replaced by glycine, an amino acid with dissimilar properties. This amino acid position is conserved. In addition, this alteration is predicted to be tolerated by in silico analysis. Since supporting evidence is limited at this time, the clinical significance of this alteration remains unclear.

Labcorp Genetics (formerly Invitae), Labcorp
Classification: Uncertain significance for Neuroblastoma, susceptibility to, 3. Last evaluated: 2024-02-15. Review status: criteria provided, single submitter. Criteria: Invitae Variant Classification Sherloc (09022015). Collection method: clinical testing. Allele origin: germline.
Comment: This sequence change replaces arginine, which is basic and polar, with glycine, which is neutral and non-polar, at codon 510 of the ALK protein (p.Arg510Gly). This variant is not present in population databases (gnomAD no frequency). This variant has not been reported in the literature in individuals affected with ALK-related conditions. ClinVar contains an entry for this variant (Variation ID: 1353593). An algorithm developed to predict the effect of missense changes on protein structure and function (PolyPhen-2) suggests that this variant is likely to be tolerated. In summary, the available evidence is currently insufficient to determine the role of this variant in disease. Therefore, it has been classified as a Variant of Uncertain Significance.

Baylor Genetics
Classification: Uncertain significance for Neuroblastoma, susceptibility to, 3. Last evaluated: 2023-11-14. Review status: criteria provided, single submitter. Criteria: ACMG Guidelines, 2015. Collection method: clinical testing. Allele origin: unknown.